The following is an entry in ClinVar:

NM_000283.4(PDE6B):c.1296_1297insTACC (p.Asp433fs)

Gene: PDE6B (phosphodiesterase 6B; plus strand). Cytogenetic location: 4p16.3.
Variant type: Insertion.
Coding change: c.1296_1297insTACC on transcript NM_000283.4 (MANE Select); coding-DNA positions 1296 to 1297, TACC inserted.
Protein change: p.Asp433fs; shifts the reading frame from aspartic acid 433.
Molecular consequence: frameshift variant.
Genome position: GRCh38 VCF-style: chr4-657386-C-CACCT. GRCh37 (hg19) VCF-style: chr4-651175-C-CACCT.
Other names: c.1296_1297insTACC, p.Asp433fs (NM_001145291.2); c.459_460insTACC, p.Asp154fs (NM_001145292.2, NM_001350154.3, NM_001379246.1 and 1 more transcripts); c.141_142insTACC, p.Asp48fs (NM_001350155.3); short protein forms D154fs, D433fs, D48fs.
Identifiers: ClinVar variation 3767367 (VCV003767367.1).
Genomic context (GRCh38, chr4:657,386, plus strand): 5'-CCAGTGACACTGCCATCCCCTCCAGTCCCTGACACAGTTCCTGGGCTGGTCAGTGATGAA[C>CACCT]ACCGACACCTACGACAAGATGAACAAGCTGGAGAACCGCAAGGACATCGCACAGGACATG-3'

ClinVar aggregate classification (germline): Likely pathogenic (1 of 4 stars; one submission).

Conditions:
Retinitis pigmentosa 40 (RP40). Identifiers: Orphanet 791, MedGen C3151107, MONDO:0013429, OMIM 613801.

Submission:

SingHealth Duke-NUS Institute of Precision Medicine
Classification: Likely pathogenic for Retinitis pigmentosa 40. Last evaluated: 2025-02-05. Review status: criteria provided, single submitter. Criteria: PRISM ACMG Classification Criteria. Collection method: clinical testing. Allele origin: germline. Affected: yes.
Comment: Variant is truncating a gene where LOF is a known mechanism of disease (PVS1). Variant is not found in gnomAD genomes or exomes (PM2).